The following is an entry in ClinVar:

ClinVar aggregate classification (germline): Uncertain significance (1 of 4 stars; one submission).

Allele frequency attached by ClinVar (database versions not stated): TOPMed below 0.00001.

Submission:

Labcorp Genetics (formerly Invitae), Labcorp
Classification: Uncertain significance. Last evaluated: 2025-03-25. Review status: criteria provided, single submitter. Criteria: Invitae Variant Classification Sherloc (09022015). Collection method: clinical testing. Allele origin: germline.
Comment: This sequence change replaces arginine, which is basic and polar, with glycine, which is neutral and non-polar, at codon 5 of the CLCN6 protein (p.Arg5Gly). This variant is not present in population databases (gnomAD no frequency). This variant has not been reported in the literature in individuals affected with CLCN6-related conditions. ClinVar contains an entry for this variant (Variation ID: 1416840). Experimental studies and prediction algorithms are not available or were not evaluated, and the functional significance of this variant is currently unknown. In summary, the available evidence is currently insufficient to determine the role of this variant in disease. Therefore, it has been classified as a Variant of Uncertain Significance.

NM_001286.5(CLCN6):c.13A>G (p.Arg5Gly)

Gene: CLCN6 (chloride voltage-gated channel 6; plus strand). Cytogenetic location: 1p36.22.
Variant type: single nucleotide variant.
Coding change: c.13A>G on transcript NM_001286.5 (MANE Select); coding-DNA position 13, A replaced by G.
Protein change: p.Arg5Gly; replaces arginine 5 with glycine.
Molecular consequence: missense variant. On other transcripts: non-coding transcript variant (1).
Genome position (GRCh38, 1-based): chr1:11,806,275, A>G. VCF-style: chr1-11806275-A-G. GRCh37 (hg19) VCF-style: chr1-11866332-A-G.
Other names: c.13A>G, p.Arg5Gly (NM_001256959.2); short protein forms R5G.
Identifiers: ClinVar variation 1416840 (VCV001416840.8), dbSNP rs962654026, ClinGen allele CA17977635.